The following is an entry in ClinVar:

ClinVar aggregate classification (germline): Uncertain significance. Review status: criteria provided, multiple submitters, no conflicts (2 of 4 stars). 3 submissions from 3 submitters: Uncertain significance (3). Last evaluated 2025-06-14.

Conditions:
Cardiovascular phenotype. Identifiers: MedGen CN230736.

Allele frequency attached by ClinVar (database versions not stated): gnomAD 0.00001; TOPMed 0.00002.
gnomAD v4.1: 21 of 1,613,952 alleles (0.0013%); highest among the groups gnomAD compares: Non-Finnish European, 0.0018%; no homozygotes.

Submissions (3):

Labcorp Genetics (formerly Invitae), Labcorp
Classification: Uncertain significance. Last evaluated: 2025-06-14. Review status: criteria provided, single submitter. Criteria: Invitae Variant Classification Sherloc (09022015). Collection method: clinical testing. Allele origin: germline.
Comment: This sequence change replaces serine, which is neutral and polar, with asparagine, which is neutral and polar, at codon 76 of the APOA1 protein (p.Ser76Asn). This variant is not present in population databases (gnomAD no frequency). This variant has not been reported in the literature in individuals affected with APOA1-related conditions. ClinVar contains an entry for this variant (Variation ID: 2174166). Invitae Evidence Modeling of protein sequence and biophysical properties (such as structural, functional, and spatial information, amino acid conservation, physicochemical variation, residue mobility, and thermodynamic stability) indicates that this missense variant is not expected to disrupt APOA1 protein function with a negative predictive value of 95%. In summary, the available evidence is currently insufficient to determine the role of this variant in disease. Therefore, it has been classified as a Variant of Uncertain Significance.

Mayo Clinic Laboratories, Mayo Clinic
Classification: Uncertain significance. Last evaluated: 2024-06-18. Review status: criteria provided, single submitter. Criteria: ACMG Guidelines, 2015. Collection method: clinical testing. Allele origin: germline. Observed: 1 variant allele.

Ambry Genetics
Classification: Uncertain significance for Cardiovascular phenotype. Last evaluated: 2023-04-26. Review status: criteria provided, single submitter. Criteria: Ambry Variant Classification Scheme 2023. Collection method: clinical testing. Allele origin: germline.

NM_000039.3(APOA1):c.227G>A (p.Ser76Asn)

Genes: APOA1 (apolipoprotein A1; minus strand), APOA1-AS (APOA1 antisense RNA; plus strand). Cytogenetic location: 11q23.3.
Variant type: single nucleotide variant.
Coding change: c.227G>A on transcript NM_000039.3 (MANE Select); coding-DNA position 227, G replaced by A.
Protein change: p.Ser76Asn; replaces serine 76 with asparagine.
Molecular consequence: missense variant.
Genome position (GRCh38, 1-based): chr11:116,836,385, C>T on the plus strand (G>A on the coding strand, the complement: APOA1 is on the minus strand). VCF-style: chr11-116836385-C-T. GRCh37 (hg19) VCF-style: chr11-116707101-C-T.
Other names: p.Ser76Asn; c.227G>A, p.Ser76Asn (NM_001318017.2, NM_001318018.2); c.-101G>A (NM_001318021.2); c.227G>A (NM_000039.2); short protein forms S76N.
Identifiers: ClinVar variation 2174166 (VCV002174166.7), dbSNP rs1226109269, ClinGen allele CA382717440.
Genomic context (GRCh38, chr11:116,836,385, plus strand): 5'-CAGAACTCCTGGGTCACAGGGCCGAGCTGTTCGCGCAGCTTGCTGAAGGTGGAGGTCACG[C>T]TGTCCCAGTTGTCAAGGAGCTTTAGGCTGGAGGGTGAGACAGAAGGGTTGAGGGCTGGCC-3'
Protein context (NP_000030.1, residues 66-86): LNLKLLDNWD[Ser76Asn]VTSTFSKLRE